The following is an entry in ClinVar:

ClinVar aggregate classification (germline): Benign/Likely benign. Review status: criteria provided, multiple submitters, no conflicts (2 of 4 stars). 6 submissions from 6 submitters: Benign (1); Likely benign (4). 1 of the submissions does not count toward it. Last evaluated 2026-01-15.

Conditions:
CDON-related disorder. Also called: CDON-related condition.
Holoprosencephaly 11 (HPE11). Identifiers: Orphanet 2162, MedGen C3280215, MONDO:0013642, OMIM 614226.
Inborn genetic diseases. Identifiers: MedGen C0950123, MeSH D030342.

Allele frequency attached by ClinVar (database versions not stated): ExAC 0.00054; gnomAD exomes 0.00057; gnomAD 0.00096 and 0.00102; 1000 Genomes Project 0.00120; TOPMed 0.00127; ESP Exome Variant Server 0.00131; 1000 Genomes Project 30x 0.00141.
gnomAD v4.1: 701 of 1,613,820 alleles (0.043%); highest among the groups gnomAD compares: African/African-American, 0.29%; 1 homozygote.

Submissions (6):

Labcorp Genetics (formerly Invitae), Labcorp
Classification: Likely benign for Holoprosencephaly 11. Last evaluated: 2026-01-15. Review status: criteria provided, single submitter. Criteria: Invitae Variant Classification Sherloc (09022015). Collection method: clinical testing. Allele origin: germline.

Blueprint Genetics
Classification: Likely benign. Last evaluated: 2024-09-11. Review status: criteria provided, single submitter. Criteria: ACMG Guidelines, 2015. Collection method: clinical testing. Allele origin: germline.

CeGaT Center for Human Genetics Tuebingen
Classification: Likely benign. Last evaluated: 2023-10-01. Review status: criteria provided, single submitter. Criteria: CeGaT Center For Human Genetics Tuebingen Variant Classification Criteria Version 2. Collection method: clinical testing. Allele origin: germline. Affected: yes. Observed: 1 variant allele.
Comment: CDON: BP4

Ambry Genetics
Classification: Benign for Inborn genetic diseases. Last evaluated: 2022-02-18. Review status: criteria provided, single submitter. Criteria: Ambry Variant Classification Scheme 2023. Collection method: clinical testing. Allele origin: germline.

Illumina Laboratory Services, Illumina
Classification: Likely benign for Holoprosencephaly 11. Last evaluated: 2018-01-13. Review status: criteria provided, single submitter. Criteria: ICSL Variant Classification Criteria 13 December 2019. Collection method: clinical testing. Allele origin: germline.
Comment: This variant was observed in the ICSL laboratory as part of a predisposition screen in an ostensibly healthy population. It had not been previously curated by ICSL or reported in the Human Gene Mutation Database (HGMD: prior to June 1st, 2018), and was therefore a candidate for classification through an automated scoring system. Utilizing variant allele frequency, disease prevalence and penetrance estimates, and inheritance mode, an automated score was calculated to assess if this variant is too frequent to cause the disease. Based on the score and internal cut-off values, a variant classified as likely benign is not then subjected to further curation. The score for this variant resulted in a classification of likely benign for this disease.

PreventionGenetics, part of Exact Sciences
Classification: Likely benign for CDON-related condition. Last evaluated: 2020-01-14. Review status: no assertion criteria provided. Collection method: clinical testing. Allele origin: germline. Not counted in ClinVar's aggregate classification.
Comment: This variant is classified as likely benign based on ACMG/AMP sequence variant interpretation guidelines (Richards et al. 2015 PMID: 25741868, with internal and published modifications).

NM_001378964.1(CDON):c.2462G>A (p.Arg821His)

Gene: CDON (cell adhesion associated, oncogene regulated; minus strand). Cytogenetic location: 11q24.2.
Variant type: single nucleotide variant.
Coding change: c.2462G>A on transcript NM_001378964.1 (MANE Select); coding-DNA position 2462, G replaced by A.
Protein change: p.Arg821His; replaces arginine 821 with histidine.
Molecular consequence: missense variant.
Genome position (GRCh38, 1-based): chr11:125,994,953, C>T on the plus strand (G>A on the coding strand, the complement: CDON is on the minus strand). VCF-style: chr11-125994953-C-T. GRCh37 (hg19) VCF-style: chr11-125864848-C-T.
Other names: c.2462G>A, p.Arg821His (NM_001243597.3, NM_016952.6); short protein forms R821H.
Identifiers: ClinVar variation 303497 (VCV000303497.41), dbSNP rs146660717, ClinGen allele CA6351716.
Genomic context (GRCh38, chr11:125,994,953, plus strand): 5'-GTATCGCTGACAGCCTCTGTGTATGCAATGTGAGGTCCAGTTATTGGACGGCTGGAAAAG[C>T]GATTGGGGAACCCAACCACTTGATAAGGACGAGATGCTGAACTCCGAAAACTCTCACCAT-3'
Protein context (NP_001365893.1, residues 811-831): RPYQVVGFPN[Arg821His]FSSRPITGPH